The following is an entry in ClinVar:

ClinVar aggregate classification (germline): Likely benign. Review status: criteria provided, multiple submitters, no conflicts (2 of 4 stars). 5 submissions from 5 submitters: Likely benign (4). 1 of the submissions does not count toward it. Last evaluated 2024-12-17.

Conditions:
NOTCH1-related disorder. Also called: NOTCH1-related disorders; NOTCH1-related condition.
Familial thoracic aortic aneurysm and aortic dissection (TAAD). Also called: Thoracic aortic aneurysms and dissections. Identifiers: Orphanet 91387, MedGen C4707243, MONDO:0019625.

Allele frequency attached by ClinVar (database versions not stated): gnomAD exomes 0.00001; TOPMed 0.00012; gnomAD 0.00013; 1000 Genomes Project 30x 0.00016; ExAC 0.00020.
gnomAD v4.1: 109 of 1,359,860 alleles (0.008%); highest among the groups gnomAD compares: East Asian, 0.093%; 1 homozygote.

Submissions (5):

ARUP Laboratories, Molecular Genetics and Genomics, ARUP Laboratories
Classification: Likely benign. Last evaluated: 2024-12-17. Review status: criteria provided, single submitter. Criteria: ARUP Molecular Germline Variant Investigation Process 2024. Collection method: clinical testing. Allele origin: germline.

Blueprint Genetics
Classification: Likely benign. Last evaluated: 2024-11-14. Review status: criteria provided, single submitter. Criteria: ACMG Guidelines, 2015. Collection method: clinical testing. Allele origin: germline.

Women's Health and Genetics/Laboratory Corporation of America, LabCorp
Classification: Likely benign. Last evaluated: 2024-08-12. Review status: criteria provided, single submitter. Criteria: LabCorp Variant Classification Summary - May 2015. Collection method: clinical testing. Allele origin: germline.
Comment: Variant summary: NOTCH1 c.17C>T (p.Ala6Val) results in a non-conservative amino acid change in the encoded protein sequence. Four of five in-silico tools predict a benign effect of the variant on protein function. The variant allele was found at a frequency of 8e-05 in 1359860 control chromosomes in the gnomAD database, including 1 homozygotes. The observed variant frequency is approximately 128.25 fold of the estimated maximal expected allele frequency for a pathogenic variant in NOTCH1 causing Adams-Oliver Syndrome 5 phenotype (6.3e-07). To our knowledge, no occurrence of c.17C>T in individuals affected with Adams-Oliver Syndrome 5 and no experimental evidence demonstrating its impact on protein function have been reported. ClinVar contains an entry for this variant (Variation ID: 2920804). Based on the evidence outlined above, the variant was classified as likely benign.

Ambry Genetics
Classification: Likely benign for Familial thoracic aortic aneurysm and aortic dissection. Last evaluated: 2022-03-31. Review status: criteria provided, single submitter. Criteria: Ambry Variant Classification Scheme 2023. Collection method: clinical testing. Allele origin: germline.

PreventionGenetics, part of Exact Sciences
Classification: Likely benign for NOTCH1-related condition. Last evaluated: 2019-08-27. Review status: no assertion criteria provided. Collection method: clinical testing. Allele origin: germline. Not counted in ClinVar's aggregate classification.
Comment: This variant is classified as likely benign based on ACMG/AMP sequence variant interpretation guidelines (Richards et al. 2015 PMID: 25741868, with internal and published modifications).

NM_017617.5(NOTCH1):c.17C>T (p.Ala6Val)

Genes: NOTCH1 (notch receptor 1; minus strand), LOC130003020 (ATAC-STARR-seq lymphoblastoid silent region 20528; plus strand). Cytogenetic location: 9q34.3.
Variant type: single nucleotide variant.
Coding change: c.17C>T on transcript NM_017617.5 (MANE Select); coding-DNA position 17, C replaced by T.
Protein change: p.Ala6Val; replaces alanine 6 with valine.
Molecular consequence: missense variant.
Genome position (GRCh38, 1-based): chr9:136,545,770, G>A on the plus strand (C>T on the coding strand, the complement: NOTCH1 is on the minus strand). VCF-style: chr9-136545770-G-A. GRCh37 (hg19) VCF-style: chr9-139440222-G-A.
Other names: c.17C>T (NM_017617.4, NM_017617.3); short protein forms A6V.
Identifiers: ClinVar variation 2920804 (VCV002920804.7), dbSNP rs758139292, ClinGen allele CA5342275.
Genomic context (GRCh38, chr9:136,545,770, plus strand): 5'-GTGGGTGGGCGCCTACCTCGTGCGGCGAGCGCGGGCAGCAGCGCCAGGCAGAGCAGGGGC[G>A]CCAGGAGCGGCGGCATGCCTCCCCACCGGCTGCCCTCTGCGCCCGGGCGGCGGCCTCCTG-3'
Protein context (NP_060087.3, residues 1-16): MPPLL[Ala6Val]PLLCLALLPA